The following is an entry in ClinVar:

NM_000038.6(APC):c.5619C>T (p.Asp1873=)

Gene: APC (APC regulator of Wnt signaling pathway; plus strand). Cytogenetic location: 5q22.2.
Variant type: single nucleotide variant.
Coding change: c.5619C>T on transcript NM_000038.6 (MANE Select); coding-DNA position 5619, C replaced by T.
Protein change: p.Asp1873=; no amino-acid change (aspartic acid 1873 retained).
Molecular consequence: synonymous variant.
Genome position (GRCh38, 1-based): chr5:112,841,213, C>T. VCF-style: chr5-112841213-C-T. GRCh37 (hg19) VCF-style: chr5-112176910-C-T.
Other names: c.5619C>T, p.Asp1873= (NM_001127510.3, NM_001354895.2); c.5565C>T, p.Asp1855= (NM_001127511.3); c.5673C>T, p.Asp1891= (NM_001354896.2); c.5649C>T, p.Asp1883= (NM_001354897.2); c.5544C>T, p.Asp1848= (NM_001354898.2); c.5535C>T, p.Asp1845= (NM_001354899.2); c.5496C>T, p.Asp1832= (NM_001354900.2); c.5442C>T, p.Asp1814= (NM_001354901.2); and 5 more.
Identifiers: ClinVar variation 470014 (VCV000470014.45), dbSNP rs755764542, ClinGen allele CA042432.

ClinVar aggregate classification (germline): Benign/Likely benign. Review status: criteria provided, multiple submitters, no conflicts (2 of 4 stars). 7 submissions from 7 submitters: Benign (1); Likely benign (6). Last evaluated 2025-12-29.

Conditions:
Classic or attenuated familial adenomatous polyposis. Identifiers: MedGen CN372698, MONDO:0021057.
Familial adenomatous polyposis 1 (FAP1). Also called: FAMILIAL ADENOMATOUS POLYPOSIS 1, ATTENUATED; POLYPOSIS, ADENOMATOUS INTESTINAL. Identifiers: MedGen C2713442, MONDO:0021056, OMIM 175100. Disease mechanism: loss of function.
Hereditary cancer-predisposing syndrome. Also called: Hereditary neoplastic syndrome; Tumor predisposition; Neoplastic Syndromes, Hereditary; Hereditary Cancer Syndrome. Identifiers: Orphanet 140162, MedGen C0027672, MeSH D009386, MONDO:0015356.

Allele frequency attached by ClinVar (database versions not stated): gnomAD exomes 0.00001 and 0.00002; ExAC 0.00002.
gnomAD v4.1: 18 of 1,613,822 alleles (0.0011%); highest among the groups gnomAD compares: South Asian, 0.0022%; no homozygotes.

Submissions (7):

Center for Genomic Medicine, Rigshospitalet, Copenhagen University Hospital
Classification: Likely benign. Last evaluated: 2025-12-29. Review status: criteria provided, single submitter. Criteria: ACMG Guidelines, 2015. Collection method: clinical testing. Allele origin: germline.

Labcorp Genetics (formerly Invitae), Labcorp
Classification: Likely benign for Familial adenomatous polyposis 1. Last evaluated: 2025-11-17. Review status: criteria provided, single submitter. Criteria: Invitae Variant Classification Sherloc (09022015). Collection method: clinical testing. Allele origin: germline.

Myriad Genetics, Inc.
Classification: Benign for Familial adenomatous polyposis 1. Last evaluated: 2024-04-02. Review status: criteria provided, single submitter. Criteria: Myriad Autosomal Dominant, Autosomal Recessive and X-Linked Classification Criteria (2023). Collection method: clinical testing. Allele origin: unknown.
Comment: This variant is considered benign. This variant is a silent/synonymous amino acid change and it is not expected to impact splicing.

All of Us Research Program, National Institutes of Health
Classification: Likely benign for Classic or attenuated familial adenomatous polyposis. Last evaluated: 2023-12-01. Review status: criteria provided, single submitter. Criteria: ACMG Guidelines, 2015. Collection method: clinical testing. Allele origin: germline. Inheritance: Autosomal dominant inheritance. Observed: 4 variant alleles, 4 heterozygotes.
Comment: This study involves interpretation of variants in research participants for the purpose of population health screening. Participant phenotype was not available at the time of variant classification. Additional details can be found in publication PMID: 35346344, PMCID: PMC8962531

CeGaT Center for Human Genetics Tuebingen
Classification: Likely benign. Last evaluated: 2023-08-01. Review status: criteria provided, single submitter. Criteria: CeGaT Center For Human Genetics Tuebingen Variant Classification Criteria Version 2. Collection method: clinical testing. Allele origin: germline. Affected: yes. Observed: 1 variant allele.
Comment: APC: BP4, BP7

Color Diagnostics, LLC DBA Color Health
Classification: Likely benign for Hereditary cancer-predisposing syndrome. Last evaluated: 2016-12-22. Review status: criteria provided, single submitter. Criteria: ACMG Guidelines, 2015. Collection method: clinical testing. Allele origin: germline.

Ambry Genetics
Classification: Likely benign for Hereditary cancer-predisposing syndrome. Last evaluated: 2016-03-01. Review status: criteria provided, single submitter. Criteria: Ambry Variant Classification Scheme 2023. Collection method: clinical testing. Allele origin: germline.